The following is an entry in ClinVar:

NM_033026.6(PCLO):c.6835C>T (p.Pro2279Ser)

Gene: PCLO (piccolo presynaptic cytomatrix protein; minus strand). Cytogenetic location: 7q21.11.
Variant type: single nucleotide variant.
Coding change: c.6835C>T on transcript NM_033026.6 (MANE Select); coding-DNA position 6835, C replaced by T.
Protein change: p.Pro2279Ser; replaces proline 2279 with serine.
Molecular consequence: missense variant.
Genome position (GRCh38, 1-based): chr7:82,954,118, G>A on the plus strand (C>T on the coding strand, the complement: PCLO is on the minus strand). VCF-style: chr7-82954118-G-A. GRCh37 (hg19) VCF-style: chr7-82583434-G-A.
Other names: c.6835C>T, p.Pro2279Ser (NM_014510.3); c.6835C>T (NM_033026.5); short protein forms P2279S.
Identifiers: ClinVar variation 1438696 (VCV001438696.6), dbSNP rs1795443126, ClinGen allele CA367918251.

ClinVar aggregate classification (germline): Uncertain significance. Review status: criteria provided, multiple submitters, no conflicts (2 of 4 stars). 2 submissions from 2 submitters: Uncertain significance (2). Last evaluated 2024-10-12.

Conditions:
Inborn genetic diseases. Identifiers: MedGen C0950123, MeSH D030342.

Allele frequency attached by ClinVar (database versions not stated): TOPMed below 0.00001; gnomAD 0.00001; gnomAD exomes 0.00001.
gnomAD v4.1: 14 of 1,613,668 alleles (0.00087%); highest among the groups gnomAD compares: Non-Finnish European, 0.0012%; no homozygotes.

Submissions (2):

Ambry Genetics
Classification: Uncertain significance for Inborn genetic diseases. Last evaluated: 2024-10-12. Review status: criteria provided, single submitter. Criteria: Ambry Variant Classification Scheme 2023. Collection method: clinical testing. Allele origin: germline.

Labcorp Genetics (formerly Invitae), Labcorp
Classification: Uncertain significance. Last evaluated: 2021-08-31. Review status: criteria provided, single submitter. Criteria: Invitae Variant Classification Sherloc (09022015). Collection method: clinical testing. Allele origin: germline.
Comment: This sequence change replaces proline with serine at codon 2279 of the PCLO protein (p.Pro2279Ser). The proline residue is weakly conserved and there is a moderate physicochemical difference between proline and serine. This variant is not present in population databases (ExAC no frequency). This variant has not been reported in the literature in individuals affected with PCLO-related conditions. Algorithms developed to predict the effect of missense changes on protein structure and function are either unavailable or do not agree on the potential impact of this missense change (SIFT: "Tolerated"; PolyPhen-2: "Not Available"; Align-GVGD: "Class C0"). In summary, the available evidence is currently insufficient to determine the role of this variant in disease. Therefore, it has been classified as a Variant of Uncertain Significance.